The following is an entry in ClinVar:

ClinVar aggregate classification (germline): Benign. Review status: criteria provided, single submitter (1 of 4 stars). 3 submissions from 1 submitter: Benign (3). Last evaluated 2018-01-13.

Conditions:
Familial amyloid nephropathy with urticaria AND deafness (MWS). Also called: MUCKLE-WELLS SYNDROME; CRYOPYRIN-ASSOCIATED PERIODIC SYNDROME 2; UDA SYNDROME; URTICARIA-DEAFNESS-AMYLOIDOSIS SYNDROME; Urticaria, deafness and amyloidosis. Identifiers: Orphanet 575, MedGen C0268390, MONDO:0008633, OMIM 191900.
Chronic infantile neurological, cutaneous and articular syndrome (CINCA). Also called: Prieur Griscelli syndrome; CRYOPYRIN-ASSOCIATED PERIODIC SYNDROME 3; CINCA syndrome; CHRONIC NEUROLOGIC CUTANEOUS AND ARTICULAR SYNDROME. Identifiers: Orphanet 1451, MedGen C0409818, MONDO:0011776, OMIM 607115.
Familial cold autoinflammatory syndrome 1 (FCAS1). Also called: CRYOPYRIN-ASSOCIATED PERIODIC SYNDROME 1; Familial cold inflammatory syndrome 1. Identifiers: Orphanet 47045, MedGen C4551895, MONDO:0007349, OMIM 120100.

Allele frequency attached by ClinVar (database versions not stated): gnomAD exomes 0.00013; gnomAD 0.00128 and 0.00136; TOPMed 0.00146; 1000 Genomes Project 0.00200; 1000 Genomes Project 30x 0.00250.
gnomAD v4.1: 269 of 749,196 alleles (0.036%); highest among the groups gnomAD compares: African/African-American, 0.43%; 2 homozygotes.

Submissions (3):

Illumina Laboratory Services, Illumina
Classification: Benign for Familial amyloid nephropathy with urticaria AND deafness. Last evaluated: 2018-01-13. Review status: criteria provided, single submitter. Criteria: ICSL Variant Classification Criteria 13 December 2019. Collection method: clinical testing. Allele origin: germline.
Comment: This variant was observed in the ICSL laboratory as part of a predisposition screen in an ostensibly healthy population. It had not been previously curated by ICSL or reported in the Human Gene Mutation Database (HGMD: prior to June 1st, 2018), and was therefore a candidate for classification through an automated scoring system. Utilizing variant allele frequency, disease prevalence and penetrance estimates, and inheritance mode, an automated score was calculated to assess if this variant is too frequent to cause the disease. Based on the score and internal cut-off values, a variant classified as benign is not then subjected to further curation. The score for this variant resulted in a classification of benign for this disease.

Illumina Laboratory Services, Illumina
Classification: Benign for Chronic infantile neurological, cutaneous and articular syndrome. Last evaluated: 2018-01-13. Review status: criteria provided, single submitter. Criteria: ICSL Variant Classification Criteria 13 December 2019. Collection method: clinical testing. Allele origin: germline.
Comment: the same text as in the submission from Illumina Laboratory Services, Illumina above.

Illumina Laboratory Services, Illumina
Classification: Benign for Familial cold autoinflammatory syndrome 1. Last evaluated: 2018-01-13. Review status: criteria provided, single submitter. Criteria: ICSL Variant Classification Criteria 13 December 2019. Collection method: clinical testing. Allele origin: germline.
Comment: the same text as in the submission from Illumina Laboratory Services, Illumina above.

NM_001243133.2(NLRP3):c.*116G>T

Gene: NLRP3 (NLR family pyrin domain containing 3; plus strand). Cytogenetic location: 1q44.
Variant type: single nucleotide variant.
Coding change: c.*116G>T on transcript NM_001243133.2 (MANE Select); 116 bases downstream of the stop codon, G replaced by T.
Molecular consequence: 3 prime UTR variant.
Genome position (GRCh38, 1-based): chr1:247,448,620, G>T. VCF-style: chr1-247448620-G-T. GRCh37 (hg19) VCF-style: chr1-247611922-G-T.
Other names: c.*116G>T (NM_001079821.3, NM_001127461.3, NM_001127462.3 and 2 more transcripts).
Identifiers: ClinVar variation 874175 (VCV000874175.4), dbSNP rs199713471, ClinGen allele CA40716357.
Genomic context (GRCh38, chr1:247,448,620, plus strand): 5'-CCTCAGGTGGAGAGAGCTGCGATCCATCCAGGCCAAGACCACAGCTCTGTGATCCTTCCG[G>T]TGGAGTGTCGGAGAAGAGAGCTTGCCGACGATGCCTTCCTGTGCAGAGCTTGGGCATCTC-3'